The following is an entry in ClinVar:

NM_004370.6(COL12A1):c.8185G>A (p.Glu2729Lys)

Gene: COL12A1 (collagen type XII alpha 1 chain; minus strand). Cytogenetic location: 6q13.
Variant type: single nucleotide variant.
Coding change: c.8185G>A on transcript NM_004370.6 (MANE Select); coding-DNA position 8185, G replaced by A.
Protein change: p.Glu2729Lys; replaces glutamic acid 2729 with lysine.
Molecular consequence: missense variant.
Genome position (GRCh38, 1-based): chr6:75,105,286, C>T on the plus strand (G>A on the coding strand, the complement: COL12A1 is on the minus strand). VCF-style: chr6-75105286-C-T. GRCh37 (hg19) VCF-style: chr6-75815002-C-T.
Other names: p.Glu2729Lys; c.4693G>A, p.Glu1565Lys (NM_080645.3); short protein forms E1565K, E2729K.
Identifiers: ClinVar variation 705004 (VCV000705004.20), dbSNP rs200693552, ClinGen allele CA3892348.

ClinVar aggregate classification (germline): Conflicting classifications of pathogenicity. Review status: criteria provided, conflicting classifications (1 of 4 stars). 6 submissions from 6 submitters: Uncertain significance (5); Likely benign (1). Last evaluated 2026-03-02.

Conditions:
Ullrich congenital muscular dystrophy 2 (UCMD2). Identifiers: Orphanet 75840, MedGen C4225314, MONDO:0014654, OMIM 616470.
Bethlem myopathy 2 (BTHLM2). Identifiers: Orphanet 536516, Orphanet 610, MedGen C4225313, MONDO:0034022, OMIM 616471.
Inborn genetic diseases. Identifiers: MedGen C0950123, MeSH D030342.

Allele frequency attached by ClinVar (database versions not stated): gnomAD 0.00060 and 0.00061; TOPMed 0.00076; ESP Exome Variant Server 0.00093; 1000 Genomes Project 30x 0.00109; 1000 Genomes Project 0.00140; gnomAD exomes 0.00005 and 0.00016; ExAC 0.00023.
gnomAD v4.1: 158 of 1,613,268 alleles (0.0098%); highest among the groups gnomAD compares: African/African-American, 0.19%; no homozygotes.

Submissions (6):

Women's Health and Genetics/Laboratory Corporation of America, LabCorp
Classification: Uncertain significance. Last evaluated: 2026-03-02. Review status: criteria provided, single submitter. Criteria: LabCorp Variant Classification Summary - May 2015. Collection method: clinical testing. Allele origin: germline.
Comment: Variant summary: COL12A1 c.8185G>A (p.Glu2729Lys) results in a conservative amino acid change in the encoded protein sequence. Algorithms developed to predict the effect of missense changes on protein structure and function are either unavailable or do not agree on the potential impact of this missense change. The variant allele was found at a frequency of 0.00016 in 248340 control chromosomes. This frequency is not significantly higher than estimated for disease-causing variants in COL12A1, allowing no conclusion about variant significance. To our knowledge, no occurrence of c.8185G>A in individuals affected with COL12A1-related conditions and no experimental evidence demonstrating its impact on protein function have been reported. ClinVar contains an entry for this variant (Variation ID: 705004). Based on the evidence outlined above, the variant was classified as uncertain significance.

Labcorp Genetics (formerly Invitae), Labcorp
Classification: Likely benign for Bethlem myopathy 2; Ullrich congenital muscular dystrophy 2. Last evaluated: 2026-02-02. Review status: criteria provided, single submitter. Criteria: Invitae Variant Classification Sherloc (09022015). Collection method: clinical testing. Allele origin: germline.

Mayo Clinic Laboratories, Mayo Clinic
Classification: Uncertain significance. Last evaluated: 2025-07-24. Review status: criteria provided, single submitter. Criteria: ACMG Guidelines, 2015. Collection method: clinical testing. Allele origin: germline. Observed: 2 variant alleles.
Comment: BS1

GeneDx
Classification: Uncertain significance. Last evaluated: 2024-11-08. Review status: criteria provided, single submitter. Criteria: GeneDx Variant Classification Process June 2021. Collection method: clinical testing. Allele origin: germline. Affected: yes.
Comment: In silico analysis supports that this missense variant has a deleterious effect on protein structure/function; Has not been previously published as pathogenic or benign to our knowledge

Blueprint Genetics
Classification: Uncertain significance. Last evaluated: 2024-08-28. Review status: criteria provided, single submitter. Criteria: ACMG Guidelines, 2015. Collection method: clinical testing. Allele origin: germline.

Ambry Genetics
Classification: Uncertain significance for Inborn genetic diseases. Last evaluated: 2022-09-19. Review status: criteria provided, single submitter. Criteria: Ambry Variant Classification Scheme 2023. Collection method: clinical testing. Allele origin: germline.